The following is an entry in ClinVar:

ClinVar aggregate classification (germline): Uncertain significance (1 of 4 stars; one submission).

gnomAD v4.1: 1 of 1,611,996 alleles (0.000062%); highest among the groups gnomAD compares: Admixed American, 0.0017%; no homozygotes.

Submission:

Labcorp Genetics (formerly Invitae), Labcorp
Classification: Uncertain significance. Last evaluated: 2023-08-30. Review status: criteria provided, single submitter. Criteria: Invitae Variant Classification Sherloc (09022015). Collection method: clinical testing. Allele origin: germline.
Comment: This sequence change replaces alanine, which is neutral and non-polar, with glycine, which is neutral and non-polar, at codon 411 of the AK7 protein (p.Ala411Gly). This variant is present in population databases (no rsID available, gnomAD 0.1%). This variant has not been reported in the literature in individuals affected with AK7-related conditions. Advanced modeling of protein sequence and biophysical properties (such as structural, functional, and spatial information, amino acid conservation, physicochemical variation, residue mobility, and thermodynamic stability) performed at Invitae indicates that this missense variant is not expected to disrupt AK7 protein function. In summary, the available evidence is currently insufficient to determine the role of this variant in disease. Therefore, it has been classified as a Variant of Uncertain Significance.

NM_152327.5(AK7):c.1232C>G (p.Ala411Gly)

Gene: AK7 (adenylate kinase 7; plus strand). Cytogenetic location: 14q32.2.
Variant type: single nucleotide variant.
Coding change: c.1232C>G on transcript NM_152327.5 (MANE Select); coding-DNA position 1232, C replaced by G.
Protein change: p.Ala411Gly; replaces alanine 411 with glycine.
Molecular consequence: missense variant.
Genome position (GRCh38, 1-based): chr14:96,458,087, C>G. VCF-style: chr14-96458087-C-G. GRCh37 (hg19) VCF-style: chr14-96924424-C-G.
Other names: c.1232C>G, p.Ala411Gly (NM_001350888.2, NM_001350890.2, NM_001350892.2); c.1154C>G, p.Ala385Gly (NM_001350891.2); short protein forms A385G, A411G.
Identifiers: ClinVar variation 2756812 (VCV002756812.3), dbSNP rs1272341209, ClinGen allele CA390916599.